The following is an entry in ClinVar:

NM_175914.5(HNF4A):c.901A>T (p.Ile301Phe)

Gene: HNF4A (hepatocyte nuclear factor 4 alpha; plus strand). Cytogenetic location: 20q13.12.
Variant type: single nucleotide variant.
Coding change: c.901A>T on transcript NM_175914.5 (MANE Select); coding-DNA position 901, A replaced by T.
Protein change: p.Ile301Phe; replaces isoleucine 301 with phenylalanine.
Molecular consequence: missense variant.
Genome position (GRCh38, 1-based): chr20:44,424,092, A>T. VCF-style: chr20-44424092-A-T. GRCh37 (hg19) VCF-style: chr20-43052732-A-T.
Other names: NM_175914.5:c.901A>T; c.967A>T, p.Ile323Phe (NM_000457.6, NM_178849.3, NM_178850.3); c.901A>T, p.Ile301Phe (NM_001030003.3, NM_001030004.3); c.946A>T, p.Ile316Phe (NM_001258355.2); c.892A>T, p.Ile298Phe (NM_001287182.2, NM_001287183.2, NM_001287184.2); short protein forms I298F, I301F, I316F, I323F.
Identifiers: ClinVar variation 2574173 (VCV002574173.1), dbSNP rs920346355, ClinGen allele CA409108146.
Genomic context (GRCh38, chr20:44,424,092, plus strand): 5'-AGCGATCCAGGGAAGATCAAGCGGCTGCGTTCCCAGGTGCAGGTGAGCTTGGAGGACTAC[A>T]TCAACGACCGCCAGTATGACTCGCGTGGCCGCTTTGGAGAGCTGCTGCTGCTGCTGCCCA-3'
Protein context (NP_787110.2, residues 291-311): SQVQVSLEDY[Ile301Phe]NDRQYDSRGR

ClinVar aggregate classification (germline): Likely pathogenic (3 of 4 stars; one submission).

Conditions:
Monogenic diabetes. Identifiers: Orphanet 183625, MedGen C3888631, MONDO:0015967.

Submission:

ClinGen Monogenic Diabetes Variant Curation Expert Panel
Classification: Likely pathogenic for Monogenic diabetes. Last evaluated: 2023-07-30. Review status: reviewed by expert panel. Criteria: MDEP HNF4A Specificiations 1.0.0. Collection method: curation. Allele origin: germline. Inheritance: Autosomal dominant inheritance.
Comment: The c.901A>T variant in the Hepatocyte nuclear factor 4 alpha, HNF4A, causes an amino acid change of isoleucine to phenylalanine at codon 301 (p.(Ile301Phe)) of NM_175914.5. This variant is absent from gnomAD v2.1.1 (PM2_Supporting). This variant is located within the ligand binding domain (codons 300-350) of HNF4A, which is defined as critical for the protein’s function by the ClinGen MDEP (PM1_Supporting). This variant was identified as a de novo occurrence with confirmed parental relationships in 1 individual with a clinical picture consistent with HNF4A-MODY (MODY probability calculator result >50% and negative genetic testing for HNF1A) (PS2; PMID:15830177). This variant is predicted to be deleterious by computational evidence, with a REVEL score of 0.976, which is greater than the MDEP VCEP threshold of 0.70 (PP3). Functional studies demonstrated the p.Ile301Phe protein has DNA binding below 60% of wild type, indicating that this variant impacts protein function (PS3_Supporting; PMID:23485969). This variant was identified in an individual with a clinical history highly specific for HNF4A-MODY (MODY probability calculator result >50%, negative genetic testing for HNF1A) (PP4; internal lab contributor). This variant segregated with diabetes with one informative meiosis in a single family; however, this does not meet the thresholds for PP1 set by the ClinGen MDEP (PMIDs: 27236918, 15830177). In summary, c.901A>T meets the criteria to be classified as likely pathogenic for monogenic diabetes. ACMG/AMP criteria applied, as specified by the ClinGen MDEP VCEP (specification version 1.0, approved 11/16/2022): PS2, PS3_Supporting, PM2_Supporting, PM1_Supporting, PP3, PP4.